The following is an entry in ClinVar:

ClinVar aggregate classification (germline): Uncertain significance (1 of 4 stars; one submission).

Conditions:
Epidermolysis bullosa simplex with nail dystrophy (EBS5D). Identifiers: MedGen C4225309, MONDO:0014661, OMIM 616487.
Epidermolysis bullosa simplex 5C, with pyloric atresia (EBS5C). Also called: PLEC-Related Epidermolysis Bullosa with Pyloric Atresia; Epidermolysis bullosa simplex with pyloric atresia; PLEC1-Related Epidermolysis Bullosa with Pyloric Atresia. Identifiers: Orphanet 158684, MedGen C2677349, MONDO:0012807, OMIM 612138.
Autosomal recessive limb-girdle muscular dystrophy type 2Q (LGMDR17). Also called: MUSCULAR DYSTROPHY, LIMB-GIRDLE, AUTOSOMAL RECESSIVE 17. Identifiers: Orphanet 254361, MedGen C3150989, MONDO:0013390, OMIM 613723.
Epidermolysis bullosa simplex, Ogna type (EBS5A). Also called: Pidermolysis bullosa simplex 5A, Ogna type; EPIDERMOLYSIS BULLOSA SIMPLEX 5A, OGNA TYPE. Identifiers: Orphanet 79401, MedGen C0432317, MONDO:0007555, OMIM 131950.
Epidermolysis bullosa simplex 5B, with muscular dystrophy (EBS5B). Also called: EPIDERMOLYSIS BULLOSA SIMPLEX AND LIMB-GIRDLE MUSCULAR DYSTROPHY; Epidermolysis bullosa simplex with muscular dystrophy. Identifiers: Orphanet 257, MedGen C2931072, MONDO:0009181, OMIM 226670.

Allele frequency attached by ClinVar (database versions not stated): gnomAD exomes below 0.00001.
gnomAD v4.1: 2 of 1,602,968 alleles (0.00012%); highest among the groups gnomAD compares: South Asian, 0.0022%; no homozygotes.

Submission:

Labcorp Genetics (formerly Invitae), Labcorp
Classification: Uncertain significance for Autosomal recessive limb-girdle muscular dystrophy type 2Q; Epidermolysis bullosa simplex, Ogna type; Epidermolysis bullosa simplex with nail dystrophy; Epidermolysis bullosa simplex 5C, with pyloric atresia; Epidermolysis bullosa simplex 5B, with muscular dystrophy. Last evaluated: 2025-11-10. Review status: criteria provided, single submitter. Criteria: Invitae Variant Classification Sherloc (09022015). Collection method: clinical testing. Allele origin: germline.
Comment: This sequence change replaces glutamine, which is neutral and polar, with glutamic acid, which is acidic and polar, at codon 3063 of the PLEC protein (p.Gln3063Glu). This variant is present in population databases (no rsID available, gnomAD 0.003%). This variant has not been reported in the literature in individuals affected with PLEC-related conditions. ClinVar contains an entry for this variant (Variation ID: 2935358). An algorithm developed to predict the effect of missense changes on protein structure and function (PolyPhen-2) suggests that this variant is likely to be tolerated. In summary, the available evidence is currently insufficient to determine the role of this variant in disease. Therefore, it has been classified as a Variant of Uncertain Significance.

NM_201384.3(PLEC):c.9106C>G (p.Gln3036Glu)

Gene: PLEC (plectin; minus strand). Cytogenetic location: 8q24.3.
Variant type: single nucleotide variant.
Coding change: c.9106C>G on transcript NM_201384.3 (MANE Select); coding-DNA position 9106, C replaced by G.
Protein change: p.Gln3036Glu; replaces glutamine 3036 with glutamic acid.
Molecular consequence: missense variant.
Genome position (GRCh38, 1-based): chr8:143,920,715, G>C on the plus strand (C>G on the coding strand, the complement: PLEC is on the minus strand). VCF-style: chr8-143920715-G-C. GRCh37 (hg19) VCF-style: chr8-144994883-G-C.
Other names: c.9517C>G, p.Gln3173Glu (NM_201380.4); c.9010C>G, p.Gln3004Glu (NM_201381.3); c.9106C>G, p.Gln3036Glu (NM_201382.4); c.9118C>G, p.Gln3040Glu (NM_201383.3); c.9187C>G, p.Gln3063Glu (NM_000445.5); c.5806C>G, p.Gln1936Glu (NM_001410941.1); c.9064C>G, p.Gln3022Glu (NM_201378.4); c.9040C>G, p.Gln3014Glu (NM_201379.3); short protein forms Q3004E, Q3040E, Q3014E, Q3173E, Q1936E, Q3022E, Q3036E, Q3063E.
Identifiers: ClinVar variation 2935358 (VCV002935358.3), dbSNP rs1554682713, ClinGen allele CA372513841.